The following is an entry in ClinVar:

NM_144687.4(NLRP12):c.155G>A (p.Gly52Asp)

Gene: NLRP12 (NLR family pyrin domain containing 12; minus strand). Cytogenetic location: 19q13.42.
Variant type: single nucleotide variant.
Coding change: c.155G>A on transcript NM_144687.4 (MANE Select); coding-DNA position 155, G replaced by A.
Protein change: p.Gly52Asp; replaces glycine 52 with aspartic acid.
Molecular consequence: missense variant.
Genome position (GRCh38, 1-based): chr19:53,824,020, C>T on the plus strand (G>A on the coding strand, the complement: NLRP12 is on the minus strand). VCF-style: chr19-53824020-C-T. GRCh37 (hg19) VCF-style: chr19-54327274-C-T.
Other names: c.155G>A, p.Gly52Asp (NM_001277129.1, NM_001277126.2); short protein forms G52D.
Identifiers: ClinVar variation 1694395 (VCV001694395.8), dbSNP rs758138704, ClinGen allele CA9639824.

ClinVar aggregate classification (germline): Uncertain significance. Review status: criteria provided, multiple submitters, no conflicts (2 of 4 stars). 2 submissions from 2 submitters: Uncertain significance (2). Last evaluated 2025-09-02.

Conditions:
Autoinflammatory syndrome. Identifiers: Orphanet 93665, MedGen C3890737, MONDO:0019751.
Familial cold autoinflammatory syndrome 2 (FCAS2). Identifiers: Orphanet 247868, MedGen C2673198, MONDO:0012724, OMIM 611762.

Allele frequency attached by ClinVar (database versions not stated): gnomAD exomes below 0.00001 and 0.00001; ExAC 0.00001; TOPMed 0.00001.
gnomAD v4.1: 12 of 1,614,194 alleles (0.00074%); highest among the groups gnomAD compares: Non-Finnish European, 0.00093%; no homozygotes.

Submissions (2):

Labcorp Genetics (formerly Invitae), Labcorp
Classification: Uncertain significance for Familial cold autoinflammatory syndrome 2. Last evaluated: 2025-09-02. Review status: criteria provided, single submitter. Criteria: Invitae Variant Classification Sherloc (09022015). Collection method: clinical testing. Allele origin: germline.
Comment: This sequence change replaces glycine, which is neutral and non-polar, with aspartic acid, which is acidic and polar, at codon 52 of the NLRP12 protein (p.Gly52Asp). This variant is not present in population databases (gnomAD no frequency). This variant has not been reported in the literature in individuals affected with NLRP12-related conditions. ClinVar contains an entry for this variant (Variation ID: 1694395). An algorithm developed to predict the effect of missense changes on protein structure and function (PolyPhen-2) suggests that this variant is likely to be disruptive. In summary, the available evidence is currently insufficient to determine the role of this variant in disease. Therefore, it has been classified as a Variant of Uncertain Significance.

Genome Diagnostics Laboratory, The Hospital for Sick Children
Classification: Uncertain significance for Autoinflammatory syndrome. Last evaluated: 2016-12-12. Review status: criteria provided, single submitter. Criteria: ACMG Guidelines, 2015. Collection method: clinical testing. Allele origin: germline. Affected: yes.